The following is an entry in ClinVar:

ClinVar aggregate classification (germline): Uncertain significance (1 of 4 stars; one submission).

Conditions:
Inborn genetic diseases. Identifiers: MedGen C0950123, MeSH D030342.

Submission:

Ambry Genetics
Classification: Uncertain significance for Inborn genetic diseases. Last evaluated: 2026-06-10. Review status: criteria provided, single submitter. Criteria: Ambry Variant Classification Scheme 2023. Collection method: clinical testing. Allele origin: germline.
Comment: The p.I59N variant (also known as c.176T>A), located in coding exon 1 of the SAMD9 gene, results from a T to A substitution at nucleotide position 176. The isoleucine at codon 59 is replaced by asparagine, an amino acid with dissimilar properties. This amino acid position is conserved. In addition, this alteration is predicted to be tolerated by in silico analysis. Based on the available evidence, the clinical significance of this variant remains unclear.

NM_017654.4(SAMD9):c.176T>A (p.Ile59Asn)

Gene: SAMD9 (sterile alpha motif domain containing 9; minus strand). Cytogenetic location: 7q21.2.
Variant type: single nucleotide variant.
Coding change: c.176T>A on transcript NM_017654.4 (MANE Select); coding-DNA position 176, T replaced by A.
Protein change: p.Ile59Asn; replaces isoleucine 59 with asparagine.
Molecular consequence: missense variant.
Genome position (GRCh38, 1-based): chr7:93,105,922, A>T on the plus strand (T>A on the coding strand, the complement: SAMD9 is on the minus strand). VCF-style: chr7-93105922-A-T. GRCh37 (hg19) VCF-style: chr7-92735235-A-T.
Other names: c.176T>A, p.Ile59Asn (NM_001193307.2); short protein forms I59N.
Identifiers: ClinVar variation 4863892 (VCV004863892.1).
Genomic context (GRCh38, chr7:93,105,922, plus strand): 5'-ATGGCTGTTTTCCGCAATTCTTTGAATAGTTCTTCTATTTGAATAGCTGGTCCATGTGTG[A>T]TGCCCATATCAACAAGATGTTCTTTTTTTAACCACTTCAAGACTGCTCCATTCACGTCTT-3'
Protein context (NP_060124.2, residues 49-69): LKKEHLVDMG[Ile59Asn]THGPAIQIEE